The following is an entry in ClinVar:

NM_198834.3(ACACA):c.3475-10T>C

Gene: ACACA (acetyl-CoA carboxylase alpha; minus strand). Cytogenetic location: 17q12.
Variant type: single nucleotide variant.
Coding change: c.3475-10T>C on transcript NM_198834.3 (MANE Select); 10 bases into the intron before coding-DNA position 3475, T replaced by C.
Molecular consequence: intron variant.
Genome position (GRCh38, 1-based): chr17:37,223,611, A>G on the plus strand (T>C on the coding strand, the complement: ACACA is on the minus strand). VCF-style: chr17-37223611-A-G. GRCh37 (hg19) VCF-style: chr17-35580532-A-G.
Other names: c.3364-10T>C (NM_198839.3, NM_198836.3); c.3190-10T>C (NM_198837.2); c.3130-10T>C (NM_198838.2); c.3475-10T>C (NM_198834.2).
Identifiers: ClinVar variation 559343 (VCV000559343.14), dbSNP rs192888791, ClinGen allele CA8515313.

ClinVar aggregate classification (germline): Benign. Review status: criteria provided, single submitter (1 of 4 stars). 3 submissions from 3 submitters: Benign (1). 2 of the submissions do not count toward it. Last evaluated 2025-12-16.

Conditions:
ACACA-related disorder. Also called: ACACA-related condition.

Allele frequency attached by ClinVar (database versions not stated): 1000 Genomes Project 0.00060; 1000 Genomes Project 30x 0.00078; TOPMed 0.00116; ESP Exome Variant Server 0.00138; gnomAD 0.00180 and 0.00182; ExAC 0.00218; gnomAD exomes 0.00225 and 0.00245.
gnomAD v4.1: 3,688 of 1,563,858 alleles (0.24%); highest among the groups gnomAD compares: South Asian, 0.32%; 8 homozygotes.

Submissions (3):

Labcorp Genetics (formerly Invitae), Labcorp
Classification: Benign. Last evaluated: 2025-12-16. Review status: criteria provided, single submitter. Criteria: Invitae Variant Classification Sherloc (09022015). Collection method: clinical testing. Allele origin: germline.

PreventionGenetics, part of Exact Sciences
Classification: Benign for ACACA-related condition. Last evaluated: 2019-04-15. Review status: no assertion criteria provided. Collection method: clinical testing. Allele origin: germline. Not counted in ClinVar's aggregate classification.
Comment: This variant is classified as benign based on ACMG/AMP sequence variant interpretation guidelines (Richards et al. 2015 PMID: 25741868, with internal and published modifications).

Mayo Clinic Laboratories, Mayo Clinic
Classification: Likely benign. Last evaluated: 2016-02-23. Review status: no assertion criteria provided. Collection method: clinical testing. Allele origin: unknown. Not counted in ClinVar's aggregate classification.